The following is an entry in ClinVar:

NM_001005242.3(PKP2):c.*1394A>T

Gene: PKP2 (plakophilin 2; minus strand). Cytogenetic location: 12p11.21.
Variant type: single nucleotide variant.
Coding change: c.*1394A>T on transcript NM_001005242.3 (MANE Select); 1394 bases downstream of the stop codon, A replaced by T.
Molecular consequence: 3 prime UTR variant.
Genome position (GRCh38, 1-based): chr12:32,791,030, T>A on the plus strand (A>T on the coding strand, the complement: PKP2 is on the minus strand). VCF-style: chr12-32791030-T-A. GRCh37 (hg19) VCF-style: chr12-32943964-T-A.
Other names: c.*1394A>T (NM_004572.4).
Identifiers: ClinVar variation 884063 (VCV000884063.4), dbSNP rs112547924, ClinGen allele CA235214112.
Genomic context (GRCh38, chr12:32,791,030, plus strand): 5'-CTTTTAAAATTGAAAAAAAATTGCTTCAAATATAATAAAGACTTAAGTACACATTCAAAA[T>A]TTATTTTCTGTTACAGTTTTCTTGCCAAAAGGAGTTGAAGAATTTTTTTGCTTATCTTAC-3'

ClinVar aggregate classification (germline): Likely benign (1 of 4 stars; one submission).

Conditions:
Arrhythmogenic right ventricular dysplasia 9 (ARVD9). Also called: Arrhythmogenic Right Ventricular Dysplasia/Cardiomyopathy 9; ARRHYTHMOGENIC RIGHT VENTRICULAR DYSPLASIA, FAMILIAL, 9. Identifiers: MedGen C1836906, MONDO:0012180, OMIM 609040.

Allele frequency attached by ClinVar (database versions not stated): gnomAD 0.00222 and 0.00232; TOPMed 0.00249; 1000 Genomes Project 0.00399; 1000 Genomes Project 30x 0.00406.
gnomAD v4.1: 333 of 152,312 alleles (0.22%); highest among the groups gnomAD compares: African/African-American, 0.77%; 1 homozygote.

Submission:

Illumina Laboratory Services, Illumina
Classification: Likely benign for Arrhythmogenic right ventricular dysplasia 9. Last evaluated: 2018-01-13. Review status: criteria provided, single submitter. Criteria: ICSL Variant Classification Criteria 13 December 2019. Collection method: clinical testing. Allele origin: germline.
Comment: This variant was observed in the ICSL laboratory as part of a predisposition screen in an ostensibly healthy population. It had not been previously curated by ICSL or reported in the Human Gene Mutation Database (HGMD: prior to June 1st, 2018), and was therefore a candidate for classification through an automated scoring system. Utilizing variant allele frequency, disease prevalence and penetrance estimates, and inheritance mode, an automated score was calculated to assess if this variant is too frequent to cause the disease. Based on the score and internal cut-off values, a variant classified as likely benign is not then subjected to further curation. The score for this variant resulted in a classification of likely benign for this disease.